The following is an entry in ClinVar:

ClinVar aggregate classification (germline): other (0 of 4 stars; one submission).

Conditions:
Familial colorectal cancer. Identifiers: MedGen CN280943, MONDO:0023113. Disease mechanism: loss of function.

Submission:

Systems Biology Platform Zhejiang California International NanoSystems Institute
Classification: other for Familial colorectal cancer. Review status: no assertion criteria provided. Collection method: not provided. Allele origin: unknown.
ClinVar note: Converted during submission from cancer to other.

NM_000038.6(APC):c.1959-890A>G

Gene: APC (APC regulator of WNT signaling pathway; plus strand). Cytogenetic location: 5q22.2.
Variant type: single nucleotide variant.
Coding change: c.1959-890A>G on transcript NM_000038.6 (MANE Select); 890 bases into the intron before coding-DNA position 1959, A replaced by G.
Molecular consequence: intron variant.
Genome position (GRCh38, 1-based): chr5:112,836,663, A>G. VCF-style: chr5-112836663-A-G. GRCh37 (hg19) VCF-style: chr5-112172360-A-G.
Other names: c.1959-890A>G (NM_001354895.2, NM_001127510.3); c.1989-890A>G (NM_001354897.2); c.1686-890A>G (NM_001354902.2); c.1905-890A>G (NM_001127511.3); c.1884-890A>G (NM_001354898.2); c.1581-890A>G (NM_001354904.2); c.1110-890A>G (NM_001354906.2); c.2013-890A>G (NM_001354896.2); and 5 more.
Identifiers: ClinVar variation 82627 (VCV000082627.2), dbSNP rs74712350, ClinGen allele CA006865.